The following is an entry in ClinVar:

NM_021098.3(CACNA1H):c.4013T>C (p.Ile1338Thr)

Gene: CACNA1H (calcium voltage-gated channel subunit alpha1 H; plus strand). Cytogenetic location: 16p13.3.
Variant type: single nucleotide variant.
Coding change: c.4013T>C on transcript NM_021098.3 (MANE Select); coding-DNA position 4013, T replaced by C.
Protein change: p.Ile1338Thr; replaces isoleucine 1338 with threonine.
Molecular consequence: missense variant.
Genome position (GRCh38, 1-based): chr16:1,210,626, T>C. VCF-style: chr16-1210626-T-C. GRCh37 (hg19) VCF-style: chr16-1260626-T-C.
Other names: c.4013T>C, p.Ile1338Thr (NM_001005407.2); short protein forms I1338T.
Identifiers: ClinVar variation 3360954 (VCV003360954.3).

ClinVar aggregate classification (germline): Uncertain significance. Review status: criteria provided, multiple submitters, no conflicts (2 of 4 stars). 2 submissions from 2 submitters: Uncertain significance (2). Last evaluated 2025-07-10.

Conditions:
Idiopathic generalized epilepsy. Also called: Generalised epilepsy; EIG. Identifiers: MedGen C0270850, MONDO:0005579, OMIM 600669.
Hyperaldosteronism, familial, type IV (HALD4). Also called: FH IV; ALDOSTERONISM, PRIMARY, AND HYPERTENSION. Identifiers: Orphanet 642671, MedGen C4310756, MONDO:0014875, OMIM 617027.

gnomAD v4.1: 6 of 1,606,258 alleles (0.00037%); highest among the groups gnomAD compares: Non-Finnish European, 0.00051%; no homozygotes.

Submissions (2):

Labcorp Genetics (formerly Invitae), Labcorp
Classification: Uncertain significance for Idiopathic generalized epilepsy; Hyperaldosteronism, familial, type IV. Last evaluated: 2025-07-10. Review status: criteria provided, single submitter. Criteria: Invitae Variant Classification Sherloc (09022015). Collection method: clinical testing. Allele origin: germline.
Comment: This sequence change replaces isoleucine, which is neutral and non-polar, with threonine, which is neutral and polar, at codon 1338 of the CACNA1H protein (p.Ile1338Thr). This variant is not present in population databases (gnomAD no frequency). This variant has not been reported in the literature in individuals affected with CACNA1H-related conditions. ClinVar contains an entry for this variant (Variation ID: 3360954). Invitae Evidence Modeling of protein sequence and biophysical properties (such as structural, functional, and spatial information, amino acid conservation, physicochemical variation, residue mobility, and thermodynamic stability) indicates that this missense variant is expected to disrupt CACNA1H protein function with a positive predictive value of 80%. In summary, the available evidence is currently insufficient to determine the role of this variant in disease. Therefore, it has been classified as a Variant of Uncertain Significance.

GeneDx
Classification: Uncertain significance. Last evaluated: 2023-07-12. Review status: criteria provided, single submitter. Criteria: GeneDx Variant Classification Process June 2021. Collection method: clinical testing. Allele origin: germline. Affected: yes.
Comment: Not observed at significant frequency in large population cohorts (gnomAD); In silico analysis supports that this missense variant has a deleterious effect on protein structure/function; Has not been previously published as pathogenic or benign to our knowledge